The following is an entry in ClinVar:

NM_000171.4(GLRA1):c.801G>T (p.Trp267Cys)

Gene: GLRA1 (glycine receptor alpha 1; minus strand). Cytogenetic location: 5q33.1.
Variant type: single nucleotide variant.
Coding change: c.801G>T on transcript NM_000171.4 (MANE Select); coding-DNA position 801, G replaced by T.
Protein change: p.Trp267Cys; replaces tryptophan 267 with cysteine.
Molecular consequence: missense variant.
Genome position (GRCh38, 1-based): chr5:151,851,501, C>A on the plus strand (G>T on the coding strand, the complement: GLRA1 is on the minus strand). VCF-style: chr5-151851501-C-A. GRCh37 (hg19) VCF-style: chr5-151231062-C-A.
Other names: c.801G>T, p.Trp267Cys (NM_001146040.2); c.552G>T, p.Trp184Cys (NM_001292000.2); short protein forms W184C, W267C.
Identifiers: ClinVar variation 2708040 (VCV002708040.3), dbSNP rs281864917, ClinGen allele CA361837770.

ClinVar aggregate classification (germline): Likely pathogenic (1 of 4 stars; one submission).

Conditions:
Hereditary hyperekplexia. Identifiers: Orphanet 3197, MedGen C4084968, MONDO:0021022.

Submission:

Labcorp Genetics (formerly Invitae), Labcorp
Classification: Likely pathogenic for Hereditary hyperekplexia. Last evaluated: 2024-02-29. Review status: criteria provided, single submitter. Criteria: Invitae Variant Classification Sherloc (09022015). Collection method: clinical testing. Allele origin: germline.
Comment: This sequence change replaces tryptophan, which is neutral and slightly polar, with cysteine, which is neutral and slightly polar, at codon 267 of the GLRA1 protein (p.Trp267Cys). This variant is not present in population databases (gnomAD no frequency). This missense change has been observed in individual(s) with clinical features of autosomal recessive hyperekplexia (PMID: 15771552; Invitae). In at least one individual the data is consistent with being in trans (on the opposite chromosome) from a pathogenic variant. Advanced modeling of protein sequence and biophysical properties (such as structural, functional, and spatial information, amino acid conservation, physicochemical variation, residue mobility, and thermodynamic stability) performed at Invitae indicates that this missense variant is expected to disrupt GLRA1 protein function with a positive predictive value of 95%. In summary, the currently available evidence indicates that the variant is pathogenic, but additional data are needed to prove that conclusively. Therefore, this variant has been classified as Likely Pathogenic.

Literature cited by the submitters: PubMed 15771552.